The following is an entry in ClinVar:

ClinVar aggregate classification (germline): Uncertain significance (1 of 4 stars; one submission).

Allele frequency attached by ClinVar (database versions not stated): gnomAD 0.00003; TOPMed 0.00003; gnomAD exomes 0.00004; ExAC 0.00008.
gnomAD v4.1: 69 of 1,612,802 alleles (0.0043%); highest among the groups gnomAD compares: Non-Finnish European, 0.0052%; no homozygotes.

Submission:

Labcorp Genetics (formerly Invitae), Labcorp
Classification: Uncertain significance. Last evaluated: 2025-10-29. Review status: criteria provided, single submitter. Criteria: Invitae Variant Classification Sherloc (09022015). Collection method: clinical testing. Allele origin: germline.
Comment: This sequence change replaces arginine, which is basic and polar, with cysteine, which is neutral and slightly polar, at codon 355 of the SKIV2L protein (p.Arg355Cys). This variant is present in population databases (rs765663885, gnomAD 0.01%). This variant has not been reported in the literature in individuals affected with SKIV2L-related conditions. ClinVar contains an entry for this variant (Variation ID: 2061800). An algorithm developed to predict the effect of missense changes on protein structure and function (PolyPhen-2) suggests that this variant is likely to be disruptive. In summary, the available evidence is currently insufficient to determine the role of this variant in disease. Therefore, it has been classified as a Variant of Uncertain Significance.

NM_006929.5(SKIC2):c.1063C>T (p.Arg355Cys)

Genes: SKIC2 (SKI2 subunit of superkiller complex; plus strand), LOC126859653 (CDK7 strongly-dependent group 2 enhancer GRCh37_chr6:31929542-31930741; plus strand). Cytogenetic location: 6p21.33.
Variant type: single nucleotide variant.
Coding change: c.1063C>T on transcript NM_006929.5 (MANE Select); coding-DNA position 1063, C replaced by T.
Protein change: p.Arg355Cys; replaces arginine 355 with cysteine.
Molecular consequence: missense variant.
Genome position (GRCh38, 1-based): chr6:31,962,053, C>T. VCF-style: chr6-31962053-C-T. GRCh37 (hg19) VCF-style: chr6-31929830-C-T.
Other names: short protein forms R355C.
Identifiers: ClinVar variation 2061800 (VCV002061800.3), dbSNP rs765663885, ClinGen allele CA3729328.